The following is an entry in ClinVar:

NM_006908.5(RAC1):c.495C>G (p.Leu165=)

Gene: RAC1 (Rac family small GTPase 1; plus strand). Cytogenetic location: 7p22.1.
Variant type: single nucleotide variant.
Coding change: c.495C>G on transcript NM_006908.5 (MANE Select); coding-DNA position 495, C replaced by G.
Protein change: p.Leu165=; no amino-acid change (leucine 165 retained).
Molecular consequence: synonymous variant.
Genome position (GRCh38, 1-based): chr7:6,402,362, C>G. VCF-style: chr7-6402362-C-G. GRCh37 (hg19) VCF-style: chr7-6441993-C-G.
Other names: c.552C>G, p.Leu184= (NM_018890.4).
Identifiers: ClinVar variation 726231 (VCV000726231.25), dbSNP rs61753123, ClinGen allele CA4153795.

ClinVar aggregate classification (germline): Benign/Likely benign. Review status: criteria provided, multiple submitters, no conflicts (2 of 4 stars). 3 submissions from 3 submitters: Benign (1); Likely benign (2). Last evaluated 2025-10-01.

Conditions:
Intellectual developmental disorder, autosomal dominant 48. Also called: MENTAL RETARDATION, AUTOSOMAL DOMINANT 48; Intellectual disability, autosomal dominant 48. Identifiers: Orphanet 500159, MedGen C4540321, MONDO:0030913, OMIM 617751.

Allele frequency attached by ClinVar (database versions not stated): gnomAD exomes 0.00178; gnomAD 0.00215 and 0.00205; ESP Exome Variant Server 0.00292; 1000 Genomes Project 0.00080; TOPMed 0.00219; 1000 Genomes Project 30x 0.00094; ExAC 0.00155.
gnomAD v4.1: 4,361 of 1,612,264 alleles (0.27%); highest among the groups gnomAD compares: Non-Finnish European, 0.34%; 9 homozygotes.

Submissions (3):

CeGaT Center for Human Genetics Tuebingen
Classification: Likely benign. Last evaluated: 2025-10-01. Review status: criteria provided, single submitter. Criteria: CeGaT Center For Human Genetics Tuebingen Variant Classification Criteria Version 2. Collection method: clinical testing. Allele origin: germline. Affected: yes. Observed: 4 variant alleles.
Comment: RAC1: BP4, BS1

Fulgent Genetics
Classification: Likely benign for Intellectual developmental disorder, autosomal dominant 48. Last evaluated: 2021-08-12. Review status: criteria provided, single submitter. Criteria: ACMG Guidelines, 2015. Collection method: clinical testing. Allele origin: unknown.

Labcorp Genetics (formerly Invitae), Labcorp
Classification: Benign. Last evaluated: 2019-12-31. Review status: criteria provided, single submitter. Criteria: Invitae Variant Classification Sherloc (09022015). Collection method: clinical testing. Allele origin: germline.